The following is an entry in ClinVar:

ClinVar aggregate classification (germline): Pathogenic. Review status: criteria provided, multiple submitters, no conflicts (2 of 4 stars). 2 submissions from 2 submitters: Pathogenic (2). Last evaluated 2026-03-05.

Conditions:
Microcephaly 3, primary, autosomal recessive. Identifiers: Orphanet 2512, MedGen C1858108, MONDO:0011488, OMIM 604804.

Submissions (2):

Mendelics
Classification: Pathogenic for Microcephaly 3, primary, autosomal recessive. Last evaluated: 2026-03-05. Review status: criteria provided, single submitter. Criteria: ACMG Guidelines, 2015. Collection method: clinical testing. Allele origin: unknown.
Comment: Likely pathogenic/Pathogenic according to ACMG criteria.

Dasa
Classification: Pathogenic. Last evaluated: 2025-06-06. Review status: criteria provided, single submitter. Criteria: DASA Assertion Criteria. Collection method: clinical testing. Allele origin: germline.
Comment: NM_018249.6(CDK5RAP2):c.3792del (p.His1264Glnfs*11) introduces a premature termination codon predicted to result in loss of normal protein function. Loss-of-function is an established mechanism of disease for this gene. This variant has been observed in affected individuals with related phenotype in a genotype context consistent with recessive disease. The variant is present at low frequency in population datasets. Based on the available data, this variant is classified as pathogenic.

NM_018249.6(CDK5RAP2):c.3792del (p.His1264fs)

Gene: CDK5RAP2 (CDK5 regulatory subunit associated protein 2; minus strand). Cytogenetic location: 9q33.2.
Variant type: Deletion.
Coding change: c.3792del on transcript NM_018249.6 (MANE Select); coding-DNA position 3792, one base deleted (T; older notation c.3792delT).
Protein change: p.His1264fs; shifts the reading frame from histidine 1264.
Molecular consequence: frameshift variant. On other transcripts: non-coding transcript variant (5).
Genome position (GRCh38, 1-based): chr9:120,437,458, A deleted on the plus strand (T on the coding strand, the reverse complement: CDK5RAP2 is on the minus strand). VCF-style (leftmost placement, unchanged base first): chr9-120437457-CA-C. GRCh37 (hg19) VCF-style: chr9-123199735-CA-C.
Other names: c.3792del, p.His1264fs (NM_001011649.3); c.3102del, p.His1034fs (NM_001272039.2); c.3693del, p.His1231fs (NM_001410992.1); c.3696del, p.His1232fs (NM_001410993.1); c.3789del, p.His1263fs (NM_001410994.1); short protein forms H1034fs, H1231fs, H1232fs, H1263fs, H1264fs.
Identifiers: ClinVar variation 4813581 (VCV004813581.2).
Genomic context (GRCh38, chr9:120,437,457, plus strand): 5'-GCAACTCCTCAAATGCCTTAATCATGGTGTTCATGTGTTGACGGGAGATGACACAGATGC[CA>C]TGGCCATCCTTAATCTGCTGCCGTTGAAGGGAGAGCTCCCTGGCTTGGGACTGAACTAAT-3'